The following is an entry in ClinVar:

ClinVar aggregate classification (germline): Likely benign. Review status: criteria provided, multiple submitters, no conflicts (2 of 4 stars). 3 submissions from 3 submitters: Likely benign (3). Last evaluated 2026-09-01.

Allele frequency attached by ClinVar (database versions not stated): 1000 Genomes Project 30x 0.00016; 1000 Genomes Project 0.00020; TOPMed 0.00139; ESP Exome Variant Server 0.00174; gnomAD 0.00178 and 0.00187; gnomAD exomes 0.00181 and 0.00192; ExAC 0.00403.
gnomAD v4.1: 2,951 of 1,570,862 alleles (0.19%); highest among the groups gnomAD compares: Non-Finnish European, 0.21%; 10 homozygotes.

Submissions (3):

CeGaT Center for Human Genetics Tuebingen
Classification: Likely benign. Last evaluated: 2026-09-01. Review status: criteria provided, single submitter. Criteria: CeGaT Center For Human Genetics Tuebingen Variant Classification Criteria Version 2. Collection method: clinical testing. Allele origin: germline. Affected: yes. Observed: 25 variant alleles.
Comment: INTS1: BP4, BP7

Blueprint Genetics
Classification: Likely benign. Last evaluated: 2024-11-26. Review status: criteria provided, single submitter. Criteria: ACMG Guidelines, 2015. Collection method: clinical testing. Allele origin: germline.

Breakthrough Genomics
Classification: Likely benign. Review status: criteria provided, single submitter. Criteria: ACMG Guidelines, 2015. Collection method: not provided. Allele origin: germline. Inheritance: Autosomal recessive inheritance. Affected: yes.

NM_001080453.3(INTS1):c.4254C>T (p.Gly1418=)

Gene: INTS1 (integrator complex subunit 1; minus strand). Cytogenetic location: 7p22.3.
Variant type: single nucleotide variant.
Coding change: c.4254C>T on transcript NM_001080453.3 (MANE Select); coding-DNA position 4254, C replaced by T.
Protein change: p.Gly1418=; no amino-acid change (glycine 1418 retained).
Molecular consequence: synonymous variant.
Genome position (GRCh38, 1-based): chr7:1,479,505, G>A on the plus strand (C>T on the coding strand, the complement: INTS1 is on the minus strand). VCF-style: chr7-1479505-G-A. GRCh37 (hg19) VCF-style: chr7-1519141-G-A.
Identifiers: ClinVar variation 1299060 (VCV001299060.36), dbSNP rs201592498, ClinGen allele CA4118935.